The following is an entry in ClinVar:

NM_001206999.2(CIT):c.3857G>A (p.Arg1286Gln)

Gene: CIT (citron rho-interacting serine/threonine kinase; minus strand). Cytogenetic location: 12q24.23.
Variant type: single nucleotide variant.
Coding change: c.3857G>A on transcript NM_001206999.2 (MANE Select); coding-DNA position 3857, G replaced by A.
Protein change: p.Arg1286Gln; replaces arginine 1286 with glutamine.
Molecular consequence: missense variant.
Genome position (GRCh38, 1-based): chr12:119,718,845, C>T on the plus strand (G>A on the coding strand, the complement: CIT is on the minus strand). VCF-style: chr12-119718845-C-T. GRCh37 (hg19) VCF-style: chr12-120156650-C-T.
Other names: c.3731G>A, p.Arg1244Gln (NM_007174.3); short protein forms R1286Q, R1244Q.
Identifiers: ClinVar variation 2092586 (VCV002092586.4), dbSNP rs750567021, ClinGen allele CA6821401.

ClinVar aggregate classification (germline): Uncertain significance (1 of 4 stars; one submission).

Allele frequency attached by ClinVar (database versions not stated): gnomAD 0.00001; gnomAD exomes 0.00001; ExAC 0.00002.
gnomAD v4.1: 19 of 1,613,952 alleles (0.0012%); highest among the groups gnomAD compares: East Asian, 0.022%; no homozygotes.

Submission:

Labcorp Genetics (formerly Invitae), Labcorp
Classification: Uncertain significance. Last evaluated: 2024-10-16. Review status: criteria provided, single submitter. Criteria: Invitae Variant Classification Sherloc (09022015). Collection method: clinical testing. Allele origin: germline.
Comment: This sequence change replaces arginine, which is basic and polar, with glutamine, which is neutral and polar, at codon 1286 of the CIT protein (p.Arg1286Gln). This variant is present in population databases (rs750567021, gnomAD 0.02%). This variant has not been reported in the literature in individuals affected with CIT-related conditions. ClinVar contains an entry for this variant (Variation ID: 2092586). An algorithm developed to predict the effect of missense changes on protein structure and function (PolyPhen-2) suggests that this variant is likely to be disruptive. Algorithms developed to predict the effect of sequence changes on RNA splicing suggest that this variant may disrupt the consensus splice site. In summary, the available evidence is currently insufficient to determine the role of this variant in disease. Therefore, it has been classified as a Variant of Uncertain Significance.